The following is an entry in ClinVar:

NM_015213.4(DENND5A):c.1335G>A (p.Ser445=)

Gene: DENND5A (DENN domain containing 5A; minus strand). Cytogenetic location: 11p15.4.
Variant type: single nucleotide variant.
Coding change: c.1335G>A on transcript NM_015213.4 (MANE Select); coding-DNA position 1335, G replaced by A.
Protein change: p.Ser445=; no amino-acid change (serine 445 retained).
Molecular consequence: synonymous variant. On other transcripts: non-coding transcript variant (1).
Genome position (GRCh38, 1-based): chr11:9,180,887, C>T on the plus strand (G>A on the coding strand, the complement: DENND5A is on the minus strand). VCF-style: chr11-9180887-C-T. GRCh37 (hg19) VCF-style: chr11-9202434-C-T.
Other names: c.1335G>A, p.Ser445= (NM_001243254.2); c.1263G>A, p.Ser421= (NM_001348749.2); c.1047G>A, p.Ser349= (NM_001348750.2).
Identifiers: ClinVar variation 1623154 (VCV001623154.11), dbSNP rs145710725, ClinGen allele CA5877631.

ClinVar aggregate classification (germline): Benign/Likely benign. Review status: criteria provided, multiple submitters, no conflicts (2 of 4 stars). 3 submissions from 3 submitters: Benign (1); Likely benign (2). Last evaluated 2026-04-01.

Allele frequency attached by ClinVar (database versions not stated): 1000 Genomes Project 30x 0.00031; 1000 Genomes Project 0.00040; ESP Exome Variant Server 0.00062; TOPMed 0.00087; ExAC 0.00131; gnomAD exomes 0.00138 and 0.00156; gnomAD 0.00161 and 0.00172.
gnomAD v4.1: 2,236 of 1,614,150 alleles (0.14%); highest among the groups gnomAD compares: Non-Finnish European, 0.12%; 8 homozygotes.

Submissions (3):

CeGaT Center for Human Genetics Tuebingen
Classification: Likely benign. Last evaluated: 2026-04-01. Review status: criteria provided, single submitter. Criteria: CeGaT Center For Human Genetics Tuebingen Variant Classification Criteria Version 2. Collection method: clinical testing. Allele origin: germline. Affected: yes. Observed: 1 variant allele.
Comment: DENND5A: BP4, BP7

Labcorp Genetics (formerly Invitae), Labcorp
Classification: Benign. Last evaluated: 2026-01-28. Review status: criteria provided, single submitter. Criteria: Invitae Variant Classification Sherloc (09022015). Collection method: clinical testing. Allele origin: germline.

Blueprint Genetics
Classification: Likely benign. Last evaluated: 2024-11-21. Review status: criteria provided, single submitter. Criteria: ACMG Guidelines, 2015. Collection method: clinical testing. Allele origin: germline.